The following is an entry in ClinVar:

ClinVar aggregate classification (germline): Conflicting classifications of pathogenicity. Review status: criteria provided, conflicting classifications (1 of 4 stars). 11 submissions from 11 submitters: Uncertain significance (5); Likely benign (4). 2 of the submissions do not count toward it. Last evaluated 2025-07-31.

Conditions:
Breast and/or ovarian cancer. Identifiers: MedGen CN221562.
Hereditary cancer-predisposing syndrome. Also called: Hereditary Cancer Syndrome; Hereditary neoplastic syndrome; Neoplastic Syndromes, Hereditary; Tumor predisposition. Identifiers: Orphanet 140162, MedGen C0027672, MeSH D009386, MONDO:0015356.
Breast-ovarian cancer, familial, susceptibility to, 1 (BROVCA1). Also called: BRCA1 Hereditary Breast and Ovarian Cancer; OVARIAN CANCER, SUSCEPTIBILITY TO. Identifiers: Orphanet 145, MedGen C2676676, MONDO:0011450, OMIM 604370. Disease mechanism: loss of function.
Hereditary breast ovarian cancer syndrome. Also called: BRCA1- and BRCA2-Associated Hereditary Breast and Ovarian Cancer; Hereditary breast and ovarian cancer syndrome; Hereditary breast and ovarian cancer syndrome (HBOC); Breast and ovarian cancer; Hereditary breast and/or ovarian cancer syndrome; Hereditary breast and ovarian cancer. Identifiers: Orphanet 145, MedGen C0677776, MeSH D061325, MONDO:0003582. Disease mechanism: loss of function.

Allele frequency attached by ClinVar (database versions not stated): gnomAD 0.00001; TOPMed 0.00001; gnomAD exomes 0.00001.
gnomAD v4.1: 9 of 1,612,666 alleles (0.00056%); highest among the groups gnomAD compares: Non-Finnish European, 0.00025%; no homozygotes.

Submissions (11):

Labcorp Genetics (formerly Invitae), Labcorp
Classification: Uncertain significance for Hereditary breast ovarian cancer syndrome. Last evaluated: 2025-07-31. Review status: criteria provided, single submitter. Criteria: Invitae Variant Classification Sherloc (09022015). Collection method: clinical testing. Allele origin: germline.
Comment: This sequence change replaces cysteine, which is neutral and slightly polar, with tyrosine, which is neutral and polar, at codon 1372 of the BRCA1 protein (p.Cys1372Tyr). This variant is present in population databases (rs55848034, gnomAD 0.01%). This missense change has been observed in individual(s) with unspecified cancer (PMID: 28873162). ClinVar contains an entry for this variant (Variation ID: 55105). Invitae Evidence Modeling of protein sequence and biophysical properties (such as structural, functional, and spatial information, amino acid conservation, physicochemical variation, residue mobility, and thermodynamic stability) indicates that this missense variant is not expected to disrupt BRCA1 protein function with a negative predictive value of 80%. Experimental studies have shown that this missense change does not substantially affect BRCA1 function (PMID: 28781887, 30765603). In summary, the available evidence is currently insufficient to determine the role of this variant in disease. Therefore, it has been classified as a Variant of Uncertain Significance.

Quest Diagnostics Nichols Institute San Juan Capistrano
Classification: Uncertain significance. Last evaluated: 2024-08-19. Review status: criteria provided, single submitter. Criteria: Quest Diagnostics criteria. Collection method: clinical testing. Allele origin: unknown.
Comment: The BRCA1 c.4115G>A (p.Cys1372Tyr) variant has been reported in the published literature as neutral or of little clinical significance (PMIDs: 15235020 (2004) and 28781887 (2016)). It was also reported in an individual with advanced cancer (PMID: 28873162 (2017)). Transcription activation assays found that this variant performed similar to the wild-type, however, the effect on the other protein functions of BRCA1 were not assessed in these studies (PMIDs: 28781887 (2016) and 30765603 (2019)). The frequency of this variant in the general population, 0.000008 (2/248774 chromosomes (Genome Aggregation Database)), is uninformative in the assessment of its pathogenicity. Analysis of this variant using bioinformatics tools for the prediction of the effect of amino acid changes on protein structure and function yielded predictions that this variant is benign. Based on the available information, we are unable to determine the clinical significance of this variant.

ARUP Laboratories, Molecular Genetics and Genomics, ARUP Laboratories
Classification: Likely benign. Last evaluated: 2024-04-03. Review status: criteria provided, single submitter. Criteria: ARUP Molecular Germline Variant Investigation Process 2024. Collection method: clinical testing. Allele origin: germline.

Baylor Genetics
Classification: Uncertain significance for Breast-ovarian cancer, familial, susceptibility to, 1. Last evaluated: 2024-01-16. Review status: criteria provided, single submitter. Criteria: ACMG Guidelines, 2015. Collection method: clinical testing. Allele origin: unknown.

Women's Health and Genetics/Laboratory Corporation of America, LabCorp
Classification: Uncertain significance. Last evaluated: 2022-07-05. Review status: criteria provided, single submitter. Criteria: LabCorp Variant Classification Summary - May 2015. Collection method: clinical testing. Allele origin: germline.
Comment: Variant summary: BRCA1 c.4115G>A (p.Cys1372Tyr) results in a non-conservative amino acid change in the encoded protein sequence. Four of five in-silico tools predict a benign effect of the variant on protein function. The variant allele was found at a frequency of 8e-06 in 248774 control chromosomes (gnomAD). The available data on variant occurrences in the general population are insufficient to allow any conclusion about variant significance. c.4115G>A has been reported in the literature in individual(s) affected with cancer, including Hereditary Breast And Ovarian Cancer Syndrome (Judkins_2005, Mandelker_2017). These reports do not provide unequivocal conclusions about association of the variant with Hereditary Breast And Ovarian Cancer Syndrome. Co-occurrence with pathogenic variants has been reported in one sample (BRCA1 c.3607C>T, p.Arg1203X; BRCA2 c.5946delT, p.Ser1982ArgfsX22; UMD), providing supporting evidence for a benign role. In a transcriptional activation assay, the variant was found to have approximately 84% the activity of the wildtype BRCA1 protein, suggesting it has minimal impact on protein function (Woods_2016). Using a computational tool that incorporated the results of this functional assay to predict the likelihood of pathogenicity, the variant was classified as likely not pathogenic/non-pathogenic (Woods_2016, Fernandes_2019). Six assessments for this variant have been submitted to ClinVar after 2014 (likely benign n=3, VUS n=3). Based on the evidence outlined above, the variant was classified as VUS-possibly benign.

GeneDx
Classification: Likely benign. Last evaluated: 2021-11-10. Review status: criteria provided, single submitter. Criteria: GeneDx Variant Classification Process June 2021. Collection method: clinical testing. Allele origin: germline. Affected: yes.
Comment: This variant is associated with the following publications: (PMID: 15235020, 12955082, 16267036, 28873162, 28781887, 29280214, 15343273, 22737296)

CHEO Genetics Diagnostic Laboratory, Children's Hospital of Eastern Ontario
Classification: Uncertain significance for Breast and/or ovarian cancer. Last evaluated: 2020-06-26. Review status: criteria provided, single submitter. Criteria: ACMG Guidelines, 2015. Collection method: clinical testing. Allele origin: germline.

Ambry Genetics
Classification: Likely benign for Hereditary cancer-predisposing syndrome. Last evaluated: 2019-03-25. Review status: criteria provided, single submitter. Criteria: Ambry Variant Classification Scheme 2023. Collection method: clinical testing. Allele origin: germline.

Color Diagnostics, LLC DBA Color Health
Classification: Likely benign for Hereditary cancer-predisposing syndrome. Last evaluated: 2017-11-13. Review status: criteria provided, single submitter. Criteria: ACMG Guidelines, 2015. Collection method: clinical testing. Allele origin: germline.

Breast Cancer Information Core (BIC) (BRCA1)
Classification: Uncertain significance for Breast-ovarian cancer, familial 1. Last evaluated: 2004-02-20. Review status: no assertion criteria provided. Collection method: clinical testing. Allele origin: germline. Affected: yes. Observed: 4 variant alleles. Not counted in ClinVar's aggregate classification.

Department of Pathology and Laboratory Medicine, Sinai Health System
Classification: Likely benign for Breast-ovarian cancer, familial, susceptibility to, 1. Review status: no assertion criteria provided. Collection method: clinical testing. Allele origin: unknown. Affected: yes. Study: The Canadian Open Genetics Repository (COGR). Not counted in ClinVar's aggregate classification.
Comment: The BRCA1 p.Cys1372Tyr variant was identified in the literature in one in silico study, where the authors found it to be neutral or of little clinical significance (Abkevich 2004). The variant was also reported in dbSNP (ID: rs55848034) â€šÃ„Ãºwith unknown alleleâ€šÃ„Ã¹, LOVD, BIC (3X as a variant with unknown clinical importance), and once in UMD as an unclassified variant. Within the UMD record it was reported to co-occur with a known pathogenic mutation in BRCA2 (c.5946delT, p.Ser1982ArgfsX22), increasing the likelihood that the p.Cys1372Tyr variant does not have clinical significance. In addition, computation analyses (PolyPhen2, SIFT, Align GVGD) do not suggest a high likelihood of impact to the protein and the p.Cys1372 residue is poorly conserved through evolution, with the variant amino acid (Tyr) present in other species (including orangutan, macaque, mouse, dog, and opossum), increasing the likelihood that this may be a benign variant. Although the variant occurs outside of the splicing consensus sequence, three in-silico or computational prediction software programs (SpliceSiteFinder, MaxEntScan, NNSPLICE) predict a greater than 10% difference in splicing; however, this information is not predictive enough to assume pathogenicity. In summary, based on the above information, the clinical significance of this variant cannot be determined with certainty at this time although we would lean towards a more benign role for this variant. This variant is classified as predicted benign.

Literature cited by the submitters: PubMed 28873162 (cited by 3 submitters); PubMed 28781887 (cited by 3 submitters); PubMed 30765603 (cited by 3 submitters); PubMed 23211700 (cited by Quest Diagnostics Nichols Institute San Juan Capistrano); PubMed 15235020 (cited by Quest Diagnostics Nichols Institute San Juan Capistrano); PubMed 12955082 (cited by Quest Diagnostics Nichols Institute San Juan Capistrano); PubMed 16267036 (cited by Women's Health and Genetics/Laboratory Corporation of America, LabCorp).

NM_007294.4(BRCA1):c.4115G>A (p.Cys1372Tyr)

Gene: BRCA1 (BRCA1 DNA repair associated; minus strand). Cytogenetic location: 17q21.31.
Variant type: single nucleotide variant.
Coding change: c.4115G>A on transcript NM_007294.4 (MANE Select); coding-DNA position 4115, G replaced by A.
Protein change: p.Cys1372Tyr; replaces cysteine 1372 with tyrosine.
Molecular consequence: missense variant. On other transcripts: non-coding transcript variant (1).
Genome position (GRCh38, 1-based): chr17:43,091,014, C>T on the plus strand (G>A on the coding strand, the complement: BRCA1 is on the minus strand). VCF-style: chr17-43091014-C-T. GRCh37 (hg19) VCF-style: chr17-41243031-C-T.
Other names: p.C1372Y:TGT>TAT; c.4115G>A, p.Cys1372Tyr (NM_001407624.1, NM_001407625.1, NM_001407626.1 and 30 more transcripts); c.4112G>A, p.Cys1371Tyr (NM_001407627.1, NM_001407628.1, NM_001407629.1 and 22 more transcripts); c.3971G>A, p.Cys1324Tyr (NM_001407748.1, NM_001407749.1, NM_001407838.1 and 20 more transcripts); c.3974G>A, p.Cys1325Tyr (NM_001407750.1, NM_001407751.1, NM_001407752.1 and 29 more transcripts); c.4106G>A, p.Cys1369Tyr (NM_001407646.1, NM_001407647.1); c.3992G>A, p.Cys1331Tyr (NM_001407648.1, NM_001407665.1, NM_001407666.1 and 19 more transcripts); c.3989G>A, p.Cys1330Tyr (NM_001407649.1, NM_001407670.1, NM_001407671.1 and 11 more transcripts); and 42 more; short protein forms C1372Y, C1325Y, C269Y, C101Y, C157Y, C160Y, C189Y, C198Y.
Identifiers: ClinVar variation 55105 (VCV000055105.29), dbSNP rs55848034, ClinGen allele CA002636.